The following is an entry in ClinVar:

ClinVar aggregate classification (germline): Likely benign. Review status: criteria provided, multiple submitters, no conflicts (2 of 4 stars). 3 submissions from 3 submitters: Likely benign (3). Last evaluated 2026-03-02.

Conditions:
RAI1-related disorder. Also called: RAI1-related condition.
Inborn genetic diseases. Identifiers: MedGen C0950123, MeSH D030342.

Allele frequency attached by ClinVar (database versions not stated): gnomAD exomes below 0.00001; TOPMed 0.00001.
gnomAD v4.1: 3 of 1,614,060 alleles (0.00019%); highest among the groups gnomAD compares: Non-Finnish European, 0.00025%; no homozygotes.

Submissions (3):

PreventionGenetics, part of Exact Sciences
Classification: Likely benign for RAI1-related condition. Last evaluated: 2026-03-02. Review status: criteria provided, single submitter. Criteria: ACMG Guidelines, 2015. Collection method: clinical testing. Allele origin: germline.
Comment: This variant is classified as likely benign based on ACMG/AMP sequence variant interpretation guidelines (Richards et al. 2015 PMID: 25741868, with internal and published modifications).

Labcorp Genetics (formerly Invitae), Labcorp
Classification: Likely benign. Last evaluated: 2022-02-09. Review status: criteria provided, single submitter. Criteria: Invitae Variant Classification Sherloc (09022015). Collection method: clinical testing. Allele origin: germline.

Ambry Genetics
Classification: Likely benign for Inborn genetic diseases. Last evaluated: 2016-06-02. Review status: criteria provided, single submitter. Criteria: Ambry Variant Classification Scheme 2023. Collection method: clinical testing. Allele origin: germline.

NM_030665.4(RAI1):c.4146G>A (p.Leu1382=)

Gene: RAI1 (retinoic acid induced 1; plus strand). Cytogenetic location: 17p11.2.
Variant type: single nucleotide variant.
Coding change: c.4146G>A on transcript NM_030665.4 (MANE Select); coding-DNA position 4146, G replaced by A.
Protein change: p.Leu1382=; no amino-acid change (leucine 1382 retained).
Molecular consequence: synonymous variant.
Genome position (GRCh38, 1-based): chr17:17,797,094, G>A. VCF-style: chr17-17797094-G-A. GRCh37 (hg19) VCF-style: chr17-17700408-G-A.
Identifiers: ClinVar variation 589264 (VCV000589264.14), dbSNP rs984014328, ClinGen allele CA288370985.